The following is an entry in ClinVar:

ClinVar aggregate classification (germline): Uncertain significance. Review status: criteria provided, multiple submitters, no conflicts (2 of 4 stars). 2 submissions from 2 submitters: Uncertain significance (2). Last evaluated 2024-12-23.

Conditions:
Cardiovascular phenotype. Identifiers: MedGen CN230736.
Desmin-related myofibrillar myopathy (MFM1). Also called: Desminopathy; Desmin related myopathy (former name); Desmin storage myopathy (former name); Myofibrillar myopathy 1; MYOFIBRILLAR MYOPATHY WITH ARRHYTHMOGENIC RIGHT VENTRICULAR CARDIOMYOPATHY; DESMIN-RELATED MYOPATHY WITH ARRHYTHMOGENIC RIGHT VENTRICULAR CARDIOMYOPATHY. Identifiers: Orphanet 363543, Orphanet 98909, MedGen C1832370, MONDO:0011076, OMIM 601419.

Submissions (2):

Labcorp Genetics (formerly Invitae), Labcorp
Classification: Uncertain significance for Desmin-related myofibrillar myopathy. Last evaluated: 2024-12-23. Review status: criteria provided, single submitter. Criteria: Invitae Variant Classification Sherloc (09022015). Collection method: clinical testing. Allele origin: germline.
Comment: This sequence change replaces asparagine, which is neutral and polar, with histidine, which is basic and polar, at codon 121 of the DES protein (p.Asn121His). This variant is not present in population databases (gnomAD no frequency). This variant has not been reported in the literature in individuals affected with DES-related conditions. ClinVar contains an entry for this variant (Variation ID: 1054937). Invitae Evidence Modeling of protein sequence and biophysical properties (such as structural, functional, and spatial information, amino acid conservation, physicochemical variation, residue mobility, and thermodynamic stability) has been performed for this missense variant. However, the output from this modeling did not meet the statistical confidence thresholds required to predict the impact of this variant on DES protein function. In summary, the available evidence is currently insufficient to determine the role of this variant in disease. Therefore, it has been classified as a Variant of Uncertain Significance.

Ambry Genetics
Classification: Uncertain significance for Cardiovascular phenotype. Last evaluated: 2021-09-09. Review status: criteria provided, single submitter. Criteria: Ambry Variant Classification Scheme 2023. Collection method: clinical testing. Allele origin: germline.
Comment: The p.N121H variant (also known as c.361A>C), located in coding exon 1 of the DES gene, results from an A to C substitution at nucleotide position 361. The asparagine at codon 121 is replaced by histidine, an amino acid with similar properties. This amino acid position is conserved. In addition, the in silico prediction for this alteration is inconclusive. Since supporting evidence is limited at this time, the clinical significance of this alteration remains unclear.

NM_001927.4(DES):c.361A>C (p.Asn121His)

Gene: DES (desmin; plus strand). Cytogenetic location: 2q35.
Variant type: single nucleotide variant.
Coding change: c.361A>C on transcript NM_001927.4 (MANE Select); coding-DNA position 361, A replaced by C.
Protein change: p.Asn121His; replaces asparagine 121 with histidine.
Molecular consequence: missense variant.
Genome position (GRCh38, 1-based): chr2:219,418,823, A>C. VCF-style: chr2-219418823-A-C. GRCh37 (hg19) VCF-style: chr2-220283545-A-C.
Other names: c.361A>C, p.Asn121His (NM_001382708.1, NM_001382709.1, NM_001382710.1 and 3 more transcripts); short protein forms N121H.
Identifiers: ClinVar variation 1054937 (VCV001054937.8), dbSNP rs1954373113, ClinGen allele CA350685511.